The following is an entry in ClinVar:

NM_006231.4(POLE):c.58A>G (p.Ser20Gly)

Genes: POLE (DNA polymerase epsilon, catalytic subunit; minus strand), LOC130009266 (ATAC-STARR-seq lymphoblastoid silent region 5123; plus strand). Cytogenetic location: 12q24.33.
Variant type: single nucleotide variant.
Coding change: c.58A>G on transcript NM_006231.4 (MANE Select); coding-DNA position 58, A replaced by G.
Protein change: p.Ser20Gly; replaces serine 20 with glycine.
Molecular consequence: missense variant.
Genome position (GRCh38, 1-based): chr12:132,687,258, T>C on the plus strand (A>G on the coding strand, the complement: POLE is on the minus strand). VCF-style: chr12-132687258-T-C. GRCh37 (hg19) VCF-style: chr12-133263844-T-C.
Other names: short protein forms S20G.
Identifiers: ClinVar variation 664030 (VCV000664030.8), dbSNP rs1405389237, ClinGen allele CA387373299.
Genomic context (GRCh38, chr12:132,687,258, plus strand): 5'-GCCCCATGGCACCCTCCGGAGGGCCGGCCCGAGAGCCTCAGGAGGGCGCCCCTCACCTGC[T>C]GGCCTCGCCATCCGCGCCTGGGTCCGCGCGCCGCCGCCCGCCGCTCCTCAGAGACATGGA-3'
Protein context (NP_006222.2, residues 10-30): RADPGADGEA[Ser20Gly]RDDGATSSVS

ClinVar aggregate classification (germline): Conflicting classifications of pathogenicity. Review status: criteria provided, conflicting classifications (1 of 4 stars). 2 submissions from 2 submitters: Uncertain significance (1); Likely benign (1). Last evaluated 2026-01-12.

Allele frequency attached by ClinVar (database versions not stated): TOPMed 0.00001; gnomAD 0.00001; gnomAD exomes below 0.00001.
gnomAD v4.1: 4 of 1,495,596 alleles (0.00027%); highest among the groups gnomAD compares: African/African-American, 0.0014%; no homozygotes.

Submissions (2):

Dasa
Classification: Likely benign. Last evaluated: 2026-01-12. Review status: criteria provided, single submitter. Criteria: DASA Assertion Criteria. Collection method: clinical testing. Allele origin: germline.
Comment: NM_006231.4(POLE):c.58A>G (p.Ser20Gly) is a missense variant that results in the substitution of serine with glycine. The variant context is inconsistent with a known disease-causing mechanism. Computational prediction algorithms are consistent with a benign effect. Therefore, based on the currently available evidence, this variant is classified as likely benign.

Labcorp Genetics (formerly Invitae), Labcorp
Classification: Uncertain significance. Last evaluated: 2025-11-27. Review status: criteria provided, single submitter. Criteria: Invitae Variant Classification Sherloc (09022015). Collection method: clinical testing. Allele origin: germline.
Comment: This sequence change replaces serine, which is neutral and polar, with glycine, which is neutral and non-polar, at codon 20 of the POLE protein (p.Ser20Gly). This variant is present in population databases (no rsID available, gnomAD 0.02%). This variant has not been reported in the literature in individuals affected with POLE-related conditions. ClinVar contains an entry for this variant (Variation ID: 664030). An algorithm developed to predict the effect of missense changes on protein structure and function outputs the following: PolyPhen-2: "Benign". The glycine amino acid residue is found in multiple mammalian species, which suggests that this missense change does not adversely affect protein function. In summary, the available evidence is currently insufficient to determine the role of this variant in disease. Therefore, it has been classified as a Variant of Uncertain Significance.